The following is an entry in ClinVar:

ClinVar aggregate classification (germline): Uncertain significance (1 of 4 stars; one submission).

Conditions:
Hereditary cancer-predisposing syndrome. Also called: Neoplastic Syndromes, Hereditary; Tumor predisposition; Hereditary Cancer Syndrome; Hereditary neoplastic syndrome. Identifiers: Orphanet 140162, MedGen C0027672, MeSH D009386, MONDO:0015356.

Submission:

Ambry Genetics
Classification: Uncertain significance for Hereditary cancer-predisposing syndrome. Last evaluated: 2026-03-13. Review status: criteria provided, single submitter. Criteria: Ambry Variant Classification Scheme 2023. Collection method: clinical testing. Allele origin: germline.
Comment: The p.F48Y variant (also known as c.143T>A), located in coding exon 2 of the POLE gene, results from a T to A substitution at nucleotide position 143. The phenylalanine at codon 48 is replaced by tyrosine, an amino acid with highly similar properties. This amino acid position is conserved. In addition, this alteration is predicted to be tolerated by in silico analysis. Based on the available evidence, the clinical significance of this variant remains unclear.

NM_006231.4(POLE):c.143T>A (p.Phe48Tyr)

Gene: POLE (DNA polymerase epsilon, catalytic subunit; minus strand). Cytogenetic location: 12q24.33.
Variant type: single nucleotide variant.
Coding change: c.143T>A on transcript NM_006231.4 (MANE Select); coding-DNA position 143, T replaced by A.
Protein change: p.Phe48Tyr; replaces phenylalanine 48 with tyrosine.
Molecular consequence: missense variant.
Genome position (GRCh38, 1-based): chr12:132,681,199, A>T on the plus strand (T>A on the coding strand, the complement: POLE is on the minus strand). VCF-style: chr12-132681199-A-T. GRCh37 (hg19) VCF-style: chr12-133257785-A-T.
Other names: short protein forms F48Y.
Identifiers: ClinVar variation 4825833 (VCV004825833.1).
Genomic context (GRCh38, chr12:132,681,199, plus strand): 5'-GGATGCATGTTAATGAGCCAGCCTGTCTTCTCACCAGGCTCCTTCAGCCGCTCAAAACCA[A>T]ACCGCAAATCCATCTTATCCGTCCACTGACTCCGTTCCAGGCGCTTGAGTGCCGAAACTG-3'
Protein context (NP_006222.2, residues 38-58): SQWTDKMDLR[Phe48Tyr]GFERLKEPGE